The following is an entry in ClinVar:

ClinVar aggregate classification (germline): Uncertain significance (1 of 4 stars; one submission).

Submission:

GeneDx
Classification: Uncertain significance. Last evaluated: 2024-09-09. Review status: criteria provided, single submitter. Criteria: GeneDx Variant Classification Process June 2021. Collection method: clinical testing. Allele origin: germline. Affected: yes.
Comment: In silico analysis indicates that this variant does not alter splicing; Has not been previously published as pathogenic or benign to our knowledge

NM_001039141.3(TRIOBP):c.5578-3C>T

Genes: TRIOBP (TRIO and F-actin binding protein; plus strand), LOC126863145 (CDK7 strongly-dependent group 2 enhancer GRCh37_chr22:38150829-38152028; plus strand). Cytogenetic location: 22q13.1.
Variant type: single nucleotide variant.
Coding change: c.5578-3C>T on transcript NM_001039141.3 (MANE Select); 3 bases into the intron before coding-DNA position 5578, C replaced by T.
Molecular consequence: intron variant.
Genome position (GRCh38, 1-based): chr22:37,755,547, C>T. VCF-style: chr22-37755547-C-T. GRCh37 (hg19) VCF-style: chr22-38151554-C-T.
Other names: c.439-3C>T (NM_007032.5, NM_138632.2).
Identifiers: ClinVar variation 3767775 (VCV003767775.1).